The following is an entry in ClinVar:

ClinVar aggregate classification (germline): Uncertain significance (1 of 4 stars; one submission).

Submission:

Labcorp Genetics (formerly Invitae), Labcorp
Classification: Uncertain significance. Last evaluated: 2022-07-01. Review status: criteria provided, single submitter. Criteria: Invitae Variant Classification Sherloc (09022015). Collection method: clinical testing. Allele origin: germline.
Comment: Information on the frequency of this variant in the gnomAD database is not available, as this variant may be reported differently in the database. This sequence change replaces leucine, which is neutral and non-polar, with glutamine, which is neutral and polar, at codon 389 of the CYFIP2 protein (p.Leu389Gln). This variant has not been reported in the literature in individuals affected with CYFIP2-related conditions. Experimental studies and prediction algorithms are not available or were not evaluated, and the functional significance of this variant is currently unknown. In summary, the available evidence is currently insufficient to determine the role of this variant in disease. Therefore, it has been classified as a Variant of Uncertain Significance.

NM_001037333.3(CYFIP2):c.1166_1167delinsAA (p.Leu389Gln)

Gene: CYFIP2 (cytoplasmic FMR1 interacting protein 2; plus strand). Cytogenetic location: 5q33.3.
Variant type: Indel.
Coding change: c.1166_1167delinsAA on transcript NM_001037333.3 (MANE Select); coding-DNA positions 1166 to 1167, TC replaced by AA.
Protein change: p.Leu389Gln; replaces leucine 389 with glutamine.
Molecular consequence: missense variant.
Genome position (GRCh38, 1-based): chr5:157,314,399-157,314,400, TC replaced by AA. VCF-style: chr5-157314399-TC-AA. GRCh37 (hg19) VCF-style: chr5-156741407-TC-AA.
Other names: c.1088_1089delinsAA, p.Leu363Gln (NM_001291721.2); c.1166_1167delinsAA, p.Leu389Gln (NM_001291722.2, NM_014376.4); short protein forms L389Q, L363Q.
Identifiers: ClinVar variation 2012860 (VCV002012860.4), dbSNP rs2532368707, ClinGen allele CA2580073942.